The following is an entry in ClinVar:

ClinVar aggregate classification (germline): Uncertain significance. Review status: criteria provided, multiple submitters, no conflicts (2 of 4 stars). 2 submissions from 2 submitters: Uncertain significance (2). Last evaluated 2026-09-21.

Conditions:
Cardiomyopathy (CMYO). Also called: Cardiomyopathies. Identifiers: Orphanet 167848, MedGen C0878544, MONDO:0004994, HP:0001638. Inheritance: Various modes of inheritance.
Cardiovascular phenotype. Identifiers: MedGen CN230736.

Submissions (2):

Molecular Diagnostic Laboratory for Inherited Cardiovascular Disease, Montreal Heart Institute
Classification: Uncertain significance for Cardiovascular phenotype. Last evaluated: 2026-09-21. Review status: criteria provided, single submitter. Criteria: ACMG Guidelines, 2015. Collection method: clinical testing. Allele origin: germline. Affected: yes.
Comment: PM2, PM5, PP3

All of Us Research Program, National Institutes of Health
Classification: Uncertain significance for Cardiomyopathy. Last evaluated: 2024-03-24. Review status: criteria provided, single submitter. Criteria: ACMG Guidelines, 2015. Collection method: clinical testing. Allele origin: germline. Inheritance: Autosomal dominant inheritance. Observed: 1 variant allele, 1 heterozygote.
Comment: This missense variant replaces arginine with serine at codon 1781 of the MYH7 protein. Computational prediction tools indicate that this variant's impact on protein structure and function is inconclusive. To our knowledge, functional studies have not been reported for this variant. This variant has not been reported in individuals affected with MYH7-related disorders in the literature. This variant has not been identified in the general population by the Genome Aggregation Database (gnomAD). A different variant affecting the same codon, p.Arg1781His, is considered to be disease-causing (ClinVar variation ID: 43064), suggesting that arginine at this position is important for MYH7 protein function. The available evidence is insufficient to determine the role of this variant in disease conclusively. Therefore, this variant is classified as a Variant of Uncertain Significance.

This study involves interpretation of variants in research participants for the purpose of population health screening. Participant phenotype was not available at the time of variant classification. Additional details can be found in publication PMID: 35346344, PMCID: PMC8962531

NM_000257.4(MYH7):c.5341C>A (p.Arg1781Ser)

Gene: MYH7 (myosin heavy chain 7; minus strand). Cytogenetic location: 14q11.2.
Variant type: single nucleotide variant.
Coding change: c.5341C>A on transcript NM_000257.4 (MANE Select); coding-DNA position 5341, C replaced by A.
Protein change: p.Arg1781Ser; replaces arginine 1781 with serine.
Molecular consequence: missense variant.
Genome position (GRCh38, 1-based): chr14:23,415,213, G>T on the plus strand (C>A on the coding strand, the complement: MYH7 is on the minus strand). VCF-style: chr14-23415213-G-T. GRCh37 (hg19) VCF-style: chr14-23884422-G-T.
Other names: c.5341C>A, p.Arg1781Ser (NM_001407004.1); c.5341C>A (NM_000257.3); short protein forms R1781S.
Identifiers: ClinVar variation 3387283 (VCV003387283.2).